The following is an entry in ClinVar:

NM_133510.4(RAD51B):c.1037-8T>C

Gene: RAD51B (RAD51 paralog B; plus strand). Cytogenetic location: 14q24.1.
Variant type: single nucleotide variant.
Coding change: c.1037-8T>C on transcript NM_133510.4 (MANE Select); 8 bases into the intron before coding-DNA position 1037, T replaced by C.
Molecular consequence: intron variant.
Genome position (GRCh38, 1-based): chr14:68,477,640, T>C. VCF-style: chr14-68477640-T-C. GRCh37 (hg19) VCF-style: chr14-68944357-T-C.
Other names: c.1036+9390T>C (NM_001321818.2, NM_001321809.2, NM_001321821.2 and 5 more transcripts); c.680-8T>C (NM_001321817.2); c.922+9390T>C (NM_001321815.1).
Identifiers: ClinVar variation 3034556 (VCV003034556.2), dbSNP rs181459801, ClinGen allele CA7241366.

ClinVar aggregate classification (germline): Benign (0 of 4 stars; one submission).

Conditions:
RAD51B-related disorder. Also called: RAD51B-related condition.

Allele frequency attached by ClinVar (database versions not stated): gnomAD exomes 0.00076; TOPMed 0.00094; gnomAD 0.00096; ExAC 0.00226; 1000 Genomes Project 0.00379; 1000 Genomes Project 30x 0.00406.
gnomAD v4.1: 1,287 of 1,601,952 alleles (0.08%); highest among the groups gnomAD compares: East Asian, 2.4%; 9 homozygotes.

Submission:

PreventionGenetics, part of Exact Sciences
Classification: Benign for RAD51B-related condition. Last evaluated: 2019-03-18. Review status: no assertion criteria provided. Collection method: clinical testing. Allele origin: germline.
Comment: This variant is classified as benign based on ACMG/AMP sequence variant interpretation guidelines (Richards et al. 2015 PMID: 25741868, with internal and published modifications).